The following is an entry in ClinVar:

NM_003179.3(SYP):c.770A>G (p.Gln257Arg)

Gene: SYP (synaptophysin; minus strand). Cytogenetic location: Xp11.23.
Variant type: single nucleotide variant.
Coding change: c.770A>G on transcript NM_003179.3 (MANE Select); coding-DNA position 770, A replaced by G.
Protein change: p.Gln257Arg; replaces glutamine 257 with arginine.
Molecular consequence: missense variant.
Genome position (GRCh38, 1-based): chrX:49,191,609, T>C on the plus strand (A>G on the coding strand, the complement: SYP is on the minus strand). VCF-style: chrX-49191609-T-C. GRCh37 (hg19) VCF-style: chrX-49048066-T-C.
Other names: short protein forms Q257R.
Identifiers: ClinVar variation 5037632 (VCV005037632.1).

ClinVar aggregate classification (germline): Uncertain significance (1 of 4 stars; one submission).

Submission:

GeneDx
Classification: Uncertain significance. Last evaluated: 2026-04-26. Review status: criteria provided, single submitter. Criteria: GeneDx Variant Classification Process June 2021. Collection method: clinical testing. Allele origin: germline.
Comment: Not observed at significant frequency in large population cohorts (gnomAD); In silico analysis suggests that this missense variant does not alter protein structure/function; Has not been previously published as pathogenic or benign to our knowledge